The following is an entry in ClinVar:

ClinVar aggregate classification (germline): Uncertain significance (1 of 4 stars; one submission).

Allele frequency attached by ClinVar (database versions not stated): gnomAD 0.00009.
gnomAD v4.1: 129 of 1,613,592 alleles (0.008%); highest among the groups gnomAD compares: East Asian, 0.011%; no homozygotes.

Submission:

Labcorp Genetics (formerly Invitae), Labcorp
Classification: Uncertain significance. Last evaluated: 2025-11-18. Review status: criteria provided, single submitter. Criteria: Invitae Variant Classification Sherloc (09022015). Collection method: clinical testing. Allele origin: germline.
Comment: This sequence change replaces methionine, which is neutral and non-polar, with threonine, which is neutral and polar, at codon 62 of the ADGRE2 protein (p.Met62Thr). This variant is present in population databases (rs746075135, gnomAD 0.01%). This variant has not been reported in the literature in individuals affected with ADGRE2-related conditions. ClinVar contains an entry for this variant (Variation ID: 2048421). An algorithm developed to predict the effect of missense changes on protein structure and function outputs the following: PolyPhen-2: "Benign". The threonine amino acid residue is found in multiple mammalian species, which suggests that this missense change does not adversely affect protein function. In summary, the available evidence is currently insufficient to determine the role of this variant in disease. Therefore, it has been classified as a Variant of Uncertain Significance.

NM_013447.4(ADGRE2):c.185T>C (p.Met62Thr)

Gene: ADGRE2 (adhesion G protein-coupled receptor E2; minus strand). Cytogenetic location: 19p13.12.
Variant type: single nucleotide variant.
Coding change: c.185T>C on transcript NM_013447.4 (MANE Select); coding-DNA position 185, T replaced by C.
Protein change: p.Met62Thr; replaces methionine 62 with threonine.
Molecular consequence: missense variant.
Genome position (GRCh38, 1-based): chr19:14,773,952, A>G on the plus strand (T>C on the coding strand, the complement: ADGRE2 is on the minus strand). VCF-style: chr19-14773952-A-G. GRCh37 (hg19) VCF-style: chr19-14884764-A-G.
Other names: c.185T>C, p.Met62Thr (NM_001271052.1, NM_152916.2, NM_152917.2); short protein forms M62T.
Identifiers: ClinVar variation 2048421 (VCV002048421.4), dbSNP rs746075135, ClinGen allele CA9258283.